The following is an entry in ClinVar:

NM_004646.4(NPHS1):c.2335-9G>A

Gene: NPHS1 (NPHS1 adhesion molecule, nephrin; minus strand). Cytogenetic location: 19q13.12.
Variant type: single nucleotide variant.
Coding change: c.2335-9G>A on transcript NM_004646.4 (MANE Select); 9 bases into the intron before coding-DNA position 2335, G replaced by A.
Molecular consequence: intron variant.
Genome position (GRCh38, 1-based): chr19:35,842,559, C>T on the plus strand (G>A on the coding strand, the complement: NPHS1 is on the minus strand). VCF-style: chr19-35842559-C-T. GRCh37 (hg19) VCF-style: chr19-36333461-C-T.
Identifiers: ClinVar variation 3616287 (VCV003616287.2).

ClinVar aggregate classification (germline): Uncertain significance (1 of 4 stars; one submission).

gnomAD v4.1: 5 of 1,613,784 alleles (0.00031%); highest among the groups gnomAD compares: South Asian, 0.0044%; no homozygotes.

Submission:

Labcorp Genetics (formerly Invitae), Labcorp
Classification: Uncertain significance. Last evaluated: 2024-10-25. Review status: criteria provided, single submitter. Criteria: Invitae Variant Classification Sherloc (09022015). Collection method: clinical testing. Allele origin: germline.
Comment: This sequence change falls in intron 17 of the NPHS1 gene. It does not directly change the encoded amino acid sequence of the NPHS1 protein. This variant is present in population databases (rs773050353, gnomAD 0.006%). This variant has not been reported in the literature in individuals affected with NPHS1-related conditions. Algorithms developed to predict the effect of sequence changes on RNA splicing suggest that this variant may disrupt the consensus splice site. In summary, the available evidence is currently insufficient to determine the role of this variant in disease. Therefore, it has been classified as a Variant of Uncertain Significance.